The following is an entry in ClinVar:

ClinVar aggregate classification (germline): Uncertain significance (1 of 4 stars; one submission).

Conditions:
Familial meningioma. Also called: Meningioma, familial, susceptibility to. Identifiers: Orphanet 263662, MedGen C3551915, MONDO:0011789, OMIM 607174.

Submission:

Labcorp Genetics (formerly Invitae), Labcorp
Classification: Uncertain significance for Familial meningioma. Last evaluated: 2019-03-22. Review status: criteria provided, single submitter. Criteria: Invitae Variant Classification Sherloc (09022015). Collection method: clinical testing. Allele origin: germline.
Comment: This variant has not been reported in the literature in individuals with SMARCE1-related conditions. This variant is not present in population databases (ExAC no frequency). This sequence change replaces glutamine with histidine at codon 295 of the SMARCE1 protein (p.Gln295His). The glutamine residue is moderately conserved and there is a small physicochemical difference between glutamine and histidine. In summary, the available evidence is currently insufficient to determine the role of this variant in disease. Therefore, it has been classified as a Variant of Uncertain Significance. Algorithms developed to predict the effect of missense changes on protein structure and function (SIFT, PolyPhen-2, Align-GVGD) all suggest that this variant is likely to be tolerated, but these predictions have not been confirmed by published functional studies and their clinical significance is uncertain.

NM_003079.5(SMARCE1):c.885G>T (p.Gln295His)

Gene: SMARCE1 (SWI/SNF related BAF chromatin remodeling complex subunit E1; minus strand). Cytogenetic location: 17q21.2.
Variant type: single nucleotide variant.
Coding change: c.885G>T on transcript NM_003079.5 (MANE Select); coding-DNA position 885, G replaced by T.
Protein change: p.Gln295His; replaces glutamine 295 with histidine.
Molecular consequence: missense variant.
Genome position (GRCh38, 1-based): chr17:40,630,856, C>A on the plus strand (G>T on the coding strand, the complement: SMARCE1 is on the minus strand). VCF-style: chr17-40630856-C-A. GRCh37 (hg19) VCF-style: chr17-38787108-C-A.
Other names: short protein forms Q295H.
Identifiers: ClinVar variation 842401 (VCV000842401.9), dbSNP rs2037087059, ClinGen allele CA399363781.